The following is an entry in ClinVar:

NM_004415.4(DSP):c.6499G>C (p.Asp2167His)

Gene: DSP (desmoplakin; plus strand). Cytogenetic location: 6p24.3.
Variant type: single nucleotide variant.
Coding change: c.6499G>C on transcript NM_004415.4 (MANE Select); coding-DNA position 6499, G replaced by C.
Protein change: p.Asp2167His; replaces aspartic acid 2167 with histidine.
Molecular consequence: missense variant.
Genome position (GRCh38, 1-based): chr6:7,583,761, G>C. VCF-style: chr6-7583761-G-C. GRCh37 (hg19) VCF-style: chr6-7583994-G-C.
Other names: c.4702G>C, p.Asp1568His (NM_001008844.3); c.5170G>C, p.Asp1724His (NM_001319034.2); short protein forms D1568H, D1724H, D2167H.
Identifiers: ClinVar variation 4793970 (VCV004793970.1).
Genomic context (GRCh38, chr6:7,583,761, plus strand): 5'-GTCGCCTTGGCCCGGGGGCTGATTGATAGAGATTTGTATCGATCCCTGAATGATCCCCGA[G>C]ATAGTCAGAAAAACTTTGTGGATCCAGTCACCAAAAAGAAGGTCAGTTACGTGCAGCTGA-3'
Protein context (NP_004406.2, residues 2157-2177): DLYRSLNDPR[Asp2167His]SQKNFVDPVT

ClinVar aggregate classification (germline): Uncertain significance (1 of 4 stars; one submission).

Conditions:
Arrhythmogenic right ventricular dysplasia 8 (ARVD8). Also called: Arrhythmogenic Right Ventricular Dysplasia/Cardiomyopathy 8; ARRHYTHMOGENIC RIGHT VENTRICULAR DYSPLASIA, FAMILIAL, 8; ARRHYTHMOGENIC RIGHT VENTRICULAR CARDIOMYOPATHY 8. Identifiers: MedGen C1843896, MONDO:0011831, OMIM 607450.
Arrhythmogenic cardiomyopathy with wooly hair and keratoderma. Also called: PALMOPLANTAR KERATODERMA WITH LEFT VENTRICULAR CARDIOMYOPATHY AND WOOLLY HAIR; Dilated cardiomyopathy with woolly hair and keratoderma; Arrhythmogenic cardiomyopathy with woolly hair and keratoderma; Carvajal syndrome. Identifiers: Orphanet 65282, MedGen C1854063, MONDO:0011581, OMIM 605676.

Submission:

Labcorp Genetics (formerly Invitae), Labcorp
Classification: Uncertain significance for Arrhythmogenic cardiomyopathy with wooly hair and keratoderma; Arrhythmogenic right ventricular dysplasia 8. Last evaluated: 2025-10-26. Review status: criteria provided, single submitter. Criteria: Invitae Variant Classification Sherloc (09022015). Collection method: clinical testing. Allele origin: germline.
Comment: This sequence change replaces aspartic acid, which is acidic and polar, with histidine, which is basic and polar, at codon 2167 of the DSP protein (p.Asp2167His). This variant is not present in population databases (gnomAD no frequency). This variant has not been reported in the literature in individuals affected with DSP-related conditions. An algorithm developed to predict the effect of missense changes on protein structure and function (PolyPhen-2) suggests that this variant is likely to be disruptive. In summary, the available evidence is currently insufficient to determine the role of this variant in disease. Therefore, it has been classified as a Variant of Uncertain Significance.